The following is an entry in ClinVar:

NC_000011.10:g.4339080G>A

Genes: SSU72L1 (SSU72 like 1; minus strand), SSU72L3 (SSU72 like 3; plus strand). Cytogenetic location: 11p15.4.
Variant type: single nucleotide variant.
Molecular consequence: synonymous variant (on NM_001413998.1).
Genome position: GRCh38 VCF-style: chr11-4339080-G-A. GRCh37 (hg19) VCF-style: chr11-4360310-G-A.
Other names: c.165C>T, p.Tyr55= (NM_001413998.1).
Identifiers: ClinVar variation 2641529 (VCV002641529.24), dbSNP rs1269064374, ClinGen allele CA472553151.
Genomic context (GRCh38, chr11:4,339,080, plus strand): 5'-GCGTTCTCTATCTTTCCTGAGGAGGTCATTGTACATCTCCTTATATGTTGTTGCAAAATC[G>A]TAAACTACAGGACGATTGGGTCTTGGTCCTGGTAGCCTCACATGAGATTCAGTTCCAAAA-3'

ClinVar aggregate classification (germline): Likely benign (1 of 4 stars; one submission).

Allele frequency attached by ClinVar (database versions not stated): 1000 Genomes Project 30x 0.01093.

Submission:

CeGaT Center for Human Genetics Tuebingen
Classification: Likely benign. Last evaluated: 2022-12-01. Review status: criteria provided, single submitter. Criteria: CeGaT Center For Human Genetics Tuebingen Variant Classification Criteria Version 2. Collection method: clinical testing. Allele origin: germline. Affected: yes. Observed: 1 variant allele.
Comment: SSU72L3: BS2